The following is an entry in ClinVar:

NM_000136.3(FANCC):c.522-3T>C

Genes: FANCC (FA complementation group C; minus strand), AOPEP (aminopeptidase O (putative); plus strand). Cytogenetic location: 9q22.32.
Variant type: single nucleotide variant.
Coding change: c.522-3T>C on transcript NM_000136.3 (MANE Select); 3 bases into the intron before coding-DNA position 522, T replaced by C.
Molecular consequence: intron variant.
Genome position (GRCh38, 1-based): chr9:95,150,090, A>G on the plus strand (T>C on the coding strand, the complement: FANCC is on the minus strand). VCF-style: chr9-95150090-A-G. GRCh37 (hg19) VCF-style: chr9-97912372-A-G.
Other names: c.522-3T>C (NM_001243743.2, NM_001243744.2).
Identifiers: ClinVar variation 1746170 (VCV001746170.2), dbSNP rs775291697, ClinGen allele CA5137703.

ClinVar aggregate classification (germline): Uncertain significance (1 of 4 stars; one submission).

Conditions:
Hereditary cancer-predisposing syndrome. Also called: Hereditary Cancer Syndrome; Neoplastic Syndromes, Hereditary; Tumor predisposition; Hereditary neoplastic syndrome. Identifiers: Orphanet 140162, MedGen C0027672, MeSH D009386, MONDO:0015356.

Allele frequency attached by ClinVar (database versions not stated): gnomAD exomes below 0.00001; ExAC 0.00001; gnomAD 0.00001; TOPMed 0.00001.
gnomAD v4.1: 4 of 1,613,966 alleles (0.00025%); highest among the groups gnomAD compares: Admixed American, 0.005%; no homozygotes.

Submission:

Ambry Genetics
Classification: Uncertain significance for Hereditary cancer-predisposing syndrome. Last evaluated: 2021-06-02. Review status: criteria provided, single submitter. Criteria: Ambry Variant Classification Scheme 2023. Collection method: clinical testing. Allele origin: germline.
Comment: The c.522-3T>C intronic variant results from a T to C substitution 3 nucleotides upstream from coding exon 6 in the FANCC gene. This nucleotide position is not well conserved in available vertebrate species. In silico splice site analysis predicts that this alteration will not have any significant effect on splicing. Since supporting evidence is limited at this time, the clinical significance of this alteration remains unclear.